The following is an entry in ClinVar:

NM_000350.3(ABCA4):c.3272G>T (p.Gly1091Val)

Gene: ABCA4 (ATP binding cassette subfamily A member 4; minus strand). Cytogenetic location: 1p22.1.
Variant type: single nucleotide variant.
Coding change: c.3272G>T on transcript NM_000350.3 (MANE Select); coding-DNA position 3272, G replaced by T.
Protein change: p.Gly1091Val; replaces glycine 1091 with valine.
Molecular consequence: missense variant.
Genome position (GRCh38, 1-based): chr1:94,042,817, C>A on the plus strand (G>T on the coding strand, the complement: ABCA4 is on the minus strand). VCF-style: chr1-94042817-C-A. GRCh37 (hg19) VCF-style: chr1-94508373-C-A.
Other names: c.3050G>T, p.Gly1017Val (NM_001425324.1); short protein forms G1091V, G1017V.
Identifiers: ClinVar variation 2101789 (VCV002101789.4), dbSNP rs61752417, ClinGen allele CA341292105.
Genomic context (GRCh38, chr1:94,042,817, plus strand): 5'-TTACCTGAGCGATACTTCAGGAGCAGATCCCAGATTGAGCGTCTCGAGTAAGGGTCCACC[C>A]CAGAGGTGGGTTCGTCCAGAATCACCACCTTGGCATCTCCCACAAAGGCAATGGCAACCG-3'
Protein context (NP_000341.2, residues 1081-1101): KVVILDEPTS[Gly1091Val]VDPYSRRSIW

ClinVar aggregate classification (germline): Uncertain significance (1 of 4 stars; one submission).

Submission:

Labcorp Genetics (formerly Invitae), Labcorp
Classification: Uncertain significance. Last evaluated: 2022-02-22. Review status: criteria provided, single submitter. Criteria: Invitae Variant Classification Sherloc (09022015). Collection method: clinical testing. Allele origin: germline.
Comment: This variant is not present in population databases (gnomAD no frequency). This sequence change replaces glycine, which is neutral and non-polar, with valine, which is neutral and non-polar, at codon 1091 of the ABCA4 protein (p.Gly1091Val). This variant has not been reported in the literature in individuals affected with ABCA4-related conditions. In summary, the available evidence is currently insufficient to determine the role of this variant in disease. Therefore, it has been classified as a Variant of Uncertain Significance. Advanced modeling of protein sequence and biophysical properties (such as structural, functional, and spatial information, amino acid conservation, physicochemical variation, residue mobility, and thermodynamic stability) performed at Invitae indicates that this missense variant is expected to disrupt ABCA4 protein function.